The following is an entry in ClinVar:

ClinVar aggregate classification (germline): Uncertain significance (1 of 4 stars; one submission).

Submission:

GeneDx
Classification: Uncertain significance. Last evaluated: 2024-04-29. Review status: criteria provided, single submitter. Criteria: GeneDx Variant Classification Process June 2021. Collection method: clinical testing. Allele origin: germline. Affected: yes.
Comment: Not observed at significant frequency in large population cohorts (gnomAD); In silico analysis supports a deleterious effect on splicing; Has not been previously published as pathogenic or benign to our knowledge

NM_006929.5(SKIC2):c.2732-3C>G

Gene: SKIC2 (SKI2 subunit of superkiller complex; plus strand). Cytogenetic location: 6p21.33.
Variant type: single nucleotide variant.
Coding change: c.2732-3C>G on transcript NM_006929.5 (MANE Select); 3 bases into the intron before coding-DNA position 2732, C replaced by G.
Molecular consequence: intron variant.
Genome position (GRCh38, 1-based): chr6:31,967,953, C>G. VCF-style: chr6-31967953-C-G. GRCh37 (hg19) VCF-style: chr6-31935730-C-G.
Identifiers: ClinVar variation 3372953 (VCV003372953.1).